The following is an entry in ClinVar:

ClinVar aggregate classification (germline): Benign (1 of 4 stars; one submission).

Allele frequency attached by ClinVar (database versions not stated): gnomAD 0.40221 and 0.40385; TOPMed 0.39659; 1000 Genomes Project 30x 0.31683; 1000 Genomes Project 0.31849.

Submission:

GeneDx
Classification: Benign. Last evaluated: 2018-06-14. Review status: criteria provided, single submitter. Criteria: GeneDx Variant Classification (06012015). Collection method: clinical testing. Allele origin: germline. Affected: yes.
Comment: This variant is considered likely benign or benign based on one or more of the following criteria: it is a conservative change, it occurs at a poorly conserved position in the protein, it is predicted to be benign by multiple in silico algorithms, and/or has population frequency not consistent with disease.

NM_018109.3(MTPAP):c.-311G>A

Gene: MTPAP (mitochondrial poly(A) polymerase; minus strand). Cytogenetic location: 10p11.23.
Variant type: single nucleotide variant.
Coding change: c.-311G>A on transcript NM_018109.3; 311 bases upstream of the start codon, G replaced by A.
Genome position (GRCh38, 1-based): chr10:30,349,586, C>T on the plus strand (G>A on the coding strand, the complement: MTPAP is on the minus strand). VCF-style: chr10-30349586-C-T. GRCh37 (hg19) VCF-style: chr10-30638515-C-T.
Identifiers: ClinVar variation 684267 (VCV000684267.3), dbSNP rs3824709, ClinGen allele CA13240839.
Genomic context (GRCh38, chr10:30,349,586, plus strand): 5'-CGCTCCACCTACTCTTGTAAATAGCATCATGAAAATAGAACCAGAGCCCGGGCGCGGTGG[C>T]TCATGCCTGTAATCCCAGCACTTTGAGAGGCTGAGGGAGGTGAATCTCCTGACGTTACGG-3'